The following is an entry in ClinVar:

NM_144573.4(NEXN):c.1528A>G (p.Lys510Glu)

Gene: NEXN (nexilin F-actin binding protein; plus strand). Cytogenetic location: 1p31.1.
Variant type: single nucleotide variant.
Coding change: c.1528A>G on transcript NM_144573.4 (MANE Select); coding-DNA position 1528, A replaced by G.
Protein change: p.Lys510Glu; replaces lysine 510 with glutamic acid.
Molecular consequence: missense variant.
Genome position (GRCh38, 1-based): chr1:77,942,077, A>G. VCF-style: chr1-77942077-A-G. GRCh37 (hg19) VCF-style: chr1-78407762-A-G.
Other names: c.1336A>G, p.Lys446Glu (NM_001172309.2); short protein forms K510E, K446E.
Identifiers: ClinVar variation 179277 (VCV000179277.14), dbSNP rs727504758, ClinGen allele CA184102.

ClinVar aggregate classification (germline): Uncertain significance. Review status: criteria provided, multiple submitters, no conflicts (2 of 4 stars). 4 submissions from 4 submitters: Uncertain significance (4). Last evaluated 2024-12-11.

Conditions:
Cardiovascular phenotype. Identifiers: MedGen CN230736.
Dilated cardiomyopathy 1CC (CMD1CC). Identifiers: Orphanet 154, MedGen C2751084, MONDO:0013147, OMIM 613122.
Hypertrophic cardiomyopathy 20. Identifiers: MedGen C3151267, MONDO:0013477, OMIM 613876.

Allele frequency attached by ClinVar (database versions not stated): gnomAD exomes 0.00001 and 0.00004; ExAC 0.00002.
gnomAD v4.1: 53 of 1,613,716 alleles (0.0033%); highest among the groups gnomAD compares: Non-Finnish European, 0.0043%; no homozygotes.

Submissions (4):

Ambry Genetics
Classification: Uncertain significance for Cardiovascular phenotype. Last evaluated: 2024-12-11. Review status: criteria provided, single submitter. Criteria: Ambry Variant Classification Scheme 2023. Collection method: clinical testing. Allele origin: germline.
Comment: The p.K510E variant (also known as c.1528A>G), located in coding exon 11 of the NEXN gene, results from an A to G substitution at nucleotide position 1528. The lysine at codon 510 is replaced by glutamic acid, an amino acid with similar properties. This amino acid position is highly conserved in available vertebrate species. In addition, this alteration is predicted to be deleterious by in silico analysis. Since supporting evidence is limited at this time, the clinical significance of this alteration remains unclear.

GeneDx
Classification: Uncertain significance. Last evaluated: 2023-04-04. Review status: criteria provided, single submitter. Criteria: GeneDx Variant Classification Process June 2021. Collection method: clinical testing. Allele origin: germline. Affected: yes.
Comment: Has not been previously published as pathogenic or benign to our knowledge; Not observed at significant frequency in large population cohorts (gnomAD); In silico analysis supports that this missense variant does not alter protein structure/function

Labcorp Genetics (formerly Invitae), Labcorp
Classification: Uncertain significance for Dilated cardiomyopathy 1CC; Hypertrophic cardiomyopathy 20. Last evaluated: 2022-03-18. Review status: criteria provided, single submitter. Criteria: Invitae Variant Classification Sherloc (09022015). Collection method: clinical testing. Allele origin: germline.
Comment: This sequence change replaces lysine, which is basic and polar, with glutamic acid, which is acidic and polar, at codon 510 of the NEXN protein (p.Lys510Glu). This variant is present in population databases (rs727504758, gnomAD 0.002%). This variant has not been reported in the literature in individuals affected with NEXN-related conditions. ClinVar contains an entry for this variant (Variation ID: 179277). Algorithms developed to predict the effect of missense changes on protein structure and function are either unavailable or do not agree on the potential impact of this missense change (SIFT: "Deleterious"; PolyPhen-2: "Probably Damaging"; Align-GVGD: "Class C0"). In summary, the available evidence is currently insufficient to determine the role of this variant in disease. Therefore, it has been classified as a Variant of Uncertain Significance.

Laboratory for Molecular Medicine, Mass General Brigham Personalized Medicine
Classification: Uncertain significance. Last evaluated: 2013-09-19. Review status: criteria provided, single submitter. Criteria: LMM Criteria. Collection method: clinical testing. Allele origin: germline. Observed: 1 variant allele.
Comment: The Lys510Glu variant in NEXN has not been reported in individuals with cardiomy opathy and data from large population studies is insufficient to assess the freq uency of this variant. Computational analyses (biochemical amino acid properties , AlignGVGD, PolyPhen2, and SIFT) do not provide strong support for or against a n impact to the protein. Additional information is needed to fully assess the cl inical significance of the Lys510Glu variant.